The following is an entry in ClinVar:

NM_018139.3(DNAAF2):c.1128C>G (p.Asp376Glu)

Genes: DNAAF2 (dynein axonemal assembly factor 2; minus strand), LOC130055542 (ATAC-STARR-seq lymphoblastoid silent region 5699; plus strand). Cytogenetic location: 14q21.3.
Variant type: single nucleotide variant.
Coding change: c.1128C>G on transcript NM_018139.3 (MANE Select); coding-DNA position 1128, C replaced by G.
Protein change: p.Asp376Glu; replaces aspartic acid 376 with glutamic acid.
Molecular consequence: missense variant.
Genome position (GRCh38, 1-based): chr14:49,634,022, G>C on the plus strand (C>G on the coding strand, the complement: DNAAF2 is on the minus strand). VCF-style: chr14-49634022-G-C. GRCh37 (hg19) VCF-style: chr14-50100740-G-C.
Other names: c.1128C>G, p.Asp376Glu (NM_001083908.2); short protein forms D376E.
Identifiers: ClinVar variation 642500 (VCV000642500.3), dbSNP rs764335344, ClinGen allele CA7172961.

ClinVar aggregate classification (germline): Uncertain significance (1 of 4 stars; one submission).

Conditions:
Primary ciliary dyskinesia. Also called: Ciliary dyskinesia. Identifiers: Orphanet 244, MedGen C0008780, MONDO:0016575, HP:0012265.

Allele frequency attached by ClinVar (database versions not stated): gnomAD 0.00004 and 0.00005; TOPMed 0.00006; gnomAD exomes 0.00009; ExAC 0.00015.
gnomAD v4.1: 64 of 1,522,400 alleles (0.0042%); highest among the groups gnomAD compares: Non-Finnish European, 0.0043%; no homozygotes.

Submission:

Labcorp Genetics (formerly Invitae), Labcorp
Classification: Uncertain significance for Primary ciliary dyskinesia. Last evaluated: 2021-09-01. Review status: criteria provided, single submitter. Criteria: Invitae Variant Classification Sherloc (09022015). Collection method: clinical testing. Allele origin: germline.
Comment: This sequence change replaces aspartic acid with glutamic acid at codon 376 of the DNAAF2 protein (p.Asp376Glu). The aspartic acid residue is weakly conserved and there is a small physicochemical difference between aspartic acid and glutamic acid. While this variant is present in population databases (rs764335344), the frequency information is unreliable, as metrics indicate poor data quality at this position in the ExAC database. This variant has not been reported in the literature in individuals affected with DNAAF2-related conditions. Algorithms developed to predict the effect of missense changes on protein structure and function output the following: SIFT: "Deleterious"; PolyPhen-2: "Probably Damaging"; Align-GVGD: "Class C0". The glutamic acid amino acid residue is found in multiple mammalian species, which suggests that this missense change does not adversely affect protein function. In summary, the available evidence is currently insufficient to determine the role of this variant in disease. Therefore, it has been classified as a Variant of Uncertain Significance.